The following is an entry in ClinVar:

ClinVar aggregate classification (germline): Uncertain significance (1 of 4 stars; one submission).

Conditions:
Genitopatellar syndrome (GTPTS). Also called: ABSENT PATELLAE, SCROTAL HYPOPLASIA, RENAL ANOMALIES, FACIAL DYSMORPHISM, AND MENTAL RETARDATION; Genitopatellar syndrome (GPS). Identifiers: Orphanet 85201, MedGen C1853566, MONDO:0011640, OMIM 606170.

Submission:

Labcorp Genetics (formerly Invitae), Labcorp
Classification: Uncertain significance for Genitopatellar syndrome. Last evaluated: 2024-11-12. Review status: criteria provided, single submitter. Criteria: Invitae Variant Classification Sherloc (09022015). Collection method: clinical testing. Allele origin: germline.
Comment: This sequence change replaces lysine, which is basic and polar, with glutamic acid, which is acidic and polar, at codon 1200 of the KAT6B protein (p.Lys1200Glu). This variant is not present in population databases (gnomAD no frequency). This variant has not been reported in the literature in individuals affected with KAT6B-related conditions. Invitae Evidence Modeling of protein sequence and biophysical properties (such as structural, functional, and spatial information, amino acid conservation, physicochemical variation, residue mobility, and thermodynamic stability) indicates that this missense variant is not expected to disrupt KAT6B protein function with a negative predictive value of 80%. In summary, the available evidence is currently insufficient to determine the role of this variant in disease. Therefore, it has been classified as a Variant of Uncertain Significance.

NM_012330.4(KAT6B):c.3598A>G (p.Lys1200Glu)

Gene: KAT6B (lysine acetyltransferase 6B; plus strand). Cytogenetic location: 10q22.2.
Variant type: single nucleotide variant.
Coding change: c.3598A>G on transcript NM_012330.4 (MANE Select); coding-DNA position 3598, A replaced by G.
Protein change: p.Lys1200Glu; replaces lysine 1200 with glutamic acid.
Molecular consequence: missense variant.
Genome position (GRCh38, 1-based): chr10:75,025,183, A>G. VCF-style: chr10-75025183-A-G. GRCh37 (hg19) VCF-style: chr10-76784941-A-G.
Other names: c.3049A>G, p.Lys1017Glu (NM_001256468.2, NM_001370138.1); c.2722A>G, p.Lys908Glu (NM_001256469.2, NM_001370139.1, NM_001370140.1 and 2 more transcripts); c.2560A>G, p.Lys854Glu (NM_001370132.1); c.1909A>G, p.Lys637Glu (NM_001370133.1); c.1513A>G, p.Lys505Glu (NM_001370134.1); c.1255A>G, p.Lys419Glu (NM_001370135.1); c.3598A>G, p.Lys1200Glu (NM_001370136.1, NM_001370137.1); c.2533A>G, p.Lys845Glu (NM_001370143.1, NM_001370144.1); short protein forms K419E, K637E, K845E, K1017E, K1200E, K854E, K505E, K908E.
Identifiers: ClinVar variation 3719910 (VCV003719910.2).